The following is an entry in ClinVar:

ClinVar aggregate classification (germline): Uncertain significance. Review status: criteria provided, multiple submitters, no conflicts (2 of 4 stars). 2 submissions from 2 submitters: Uncertain significance (2). Last evaluated 2021-08-26.

Allele frequency attached by ClinVar (database versions not stated): 1000 Genomes Project 0.00040; 1000 Genomes Project 30x 0.00047.
gnomAD v4.1: 15 of 1,600,304 alleles (0.00094%); highest among the groups gnomAD compares: Admixed American, 0.026%; no homozygotes.

Submissions (2):

Labcorp Genetics (formerly Invitae), Labcorp
Classification: Uncertain significance. Last evaluated: 2021-08-26. Review status: criteria provided, single submitter. Criteria: Invitae Variant Classification Sherloc (09022015). Collection method: clinical testing. Allele origin: germline.
Comment: This sequence change replaces arginine with glycine at codon 687 of the C7 protein (p.Arg687Gly). The arginine residue is weakly conserved and there is a moderate physicochemical difference between arginine and glycine. This variant is present in population databases (rs117487879, ExAC 0.02%). This variant has not been reported in the literature in individuals affected with C7-related conditions. Algorithms developed to predict the effect of missense changes on protein structure and function are either unavailable or do not agree on the potential impact of this missense change (SIFT: "Tolerated"; PolyPhen-2: "Possibly Damaging"; Align-GVGD: "Class C0"). In summary, the available evidence is currently insufficient to determine the role of this variant in disease. Therefore, it has been classified as a Variant of Uncertain Significance.

Breakthrough Genomics
Classification: Uncertain significance. Review status: criteria provided, single submitter. Criteria: ACMG Guidelines, 2015. Collection method: not provided. Allele origin: germline. Inheritance: Unknown mechanism. Affected: yes.

NM_000587.4(C7):c.2059C>G (p.Arg687Gly)

Gene: C7 (complement C7; plus strand). Cytogenetic location: 5p13.1.
Variant type: single nucleotide variant.
Coding change: c.2059C>G on transcript NM_000587.4 (MANE Select); coding-DNA position 2059, C replaced by G.
Protein change: p.Arg687Gly; replaces arginine 687 with glycine.
Molecular consequence: missense variant.
Genome position (GRCh38, 1-based): chr5:40,972,579, C>G. VCF-style: chr5-40972579-C-G. GRCh37 (hg19) VCF-style: chr5-40972681-C-G.
Other names: short protein forms R687G.
Identifiers: ClinVar variation 1430237 (VCV001430237.6), dbSNP rs117487879, ClinGen allele CA3250180.